The following is an entry in ClinVar:

NM_001184880.2(PCDH19):c.1722G>C (p.Glu574Asp)

Gene: PCDH19 (protocadherin 19; minus strand). Cytogenetic location: Xq22.1.
Variant type: single nucleotide variant.
Coding change: c.1722G>C on transcript NM_001184880.2 (MANE Select); coding-DNA position 1722, G replaced by C.
Protein change: p.Glu574Asp; replaces glutamic acid 574 with aspartic acid.
Molecular consequence: missense variant.
Genome position (GRCh38, 1-based): chrX:100,406,876, C>G on the plus strand (G>C on the coding strand, the complement: PCDH19 is on the minus strand). VCF-style: chrX-100406876-C-G. GRCh37 (hg19) VCF-style: chrX-99661874-C-G.
Other names: c.1722G>C, p.Glu574Asp (NM_001105243.2, NM_020766.3); short protein forms E574D.
Identifiers: ClinVar variation 1357808 (VCV001357808.10), dbSNP rs767824461, ClinGen allele CA10468848.
Genomic context (GRCh38, chrX:100,406,876, plus strand): 5'-GTCTTCTGCCTTGACAACAGTCACCAGGTAGCCTATGCCAGAGTTGCGGGGTATGTAGAC[C>G]TCGGCAGTGCCGTTAATCAGAGGTGGGGCTGTGATGACCGGGGTGTTGTCGTTGACGTCG-3'
Protein context (NP_001171809.1, residues 564-584): TAPPLINGTA[Glu574Asp]VYIPRNSGIG

ClinVar aggregate classification (germline): Uncertain significance. Review status: criteria provided, multiple submitters, no conflicts (2 of 4 stars). 2 submissions from 2 submitters: Uncertain significance (2). Last evaluated 2025-10-02.

Conditions:
Developmental and epileptic encephalopathy, 9 (DEE9). Also called: Early infantile epileptic encephalopathy 9; PCDH19-Related X-Linked Female-Limited Epilepsy with Mental Retardation; EPILEPSY, FEMALE-RESTRICTED, WITH MENTAL RETARDATION; JUBERG-HELLMAN SYNDROME. Identifiers: Orphanet 101039, Orphanet 2076, MedGen C1848137, MONDO:0010246, OMIM 300088. Disease mechanism: loss of function.

Allele frequency attached by ClinVar (database versions not stated): TOPMed 0.00001; gnomAD exomes 0.00001; ExAC 0.00001.
gnomAD v4.1: 2 of 1,211,735 alleles (0.00017%); highest among the groups gnomAD compares: Admixed American, 0.0043%; no homozygotes.

Submissions (2):

Labcorp Genetics (formerly Invitae), Labcorp
Classification: Uncertain significance for Developmental and epileptic encephalopathy, 9. Last evaluated: 2025-10-02. Review status: criteria provided, single submitter. Criteria: Invitae Variant Classification Sherloc (09022015). Collection method: clinical testing. Allele origin: germline.
Comment: This sequence change replaces glutamic acid, which is acidic and polar, with aspartic acid, which is acidic and polar, at codon 574 of the PCDH19 protein (p.Glu574Asp). This variant is present in population databases (rs767824461, gnomAD 0.008%). This variant has not been reported in the literature in individuals affected with PCDH19-related conditions. ClinVar contains an entry for this variant (Variation ID: 1357808). Invitae Evidence Modeling of protein sequence and biophysical properties (such as structural, functional, and spatial information, amino acid conservation, physicochemical variation, residue mobility, and thermodynamic stability) indicates that this missense variant is not expected to disrupt PCDH19 protein function with a negative predictive value of 95%. In summary, the available evidence is currently insufficient to determine the role of this variant in disease. Therefore, it has been classified as a Variant of Uncertain Significance.

Dasa
Classification: Uncertain significance. Last evaluated: 2024-10-11. Review status: criteria provided, single submitter. Criteria: DASA Assertion Criteria. Collection method: clinical testing. Allele origin: germline.
Comment: NM_001184880.2(PCDH19):c.1722G>C (p.Glu574Asp) is a missense variant that results in the substitution of glutamic acid with aspartic acid. This variant is rare in population databases. Computational prediction algorithms are consistent with a benign effect. The currently available literature and clinical evidence are not sufficient to establish a definitive association between this variant and the reported condition. Therefore, this variant is classified as a variant of uncertain significance.